The following is an entry in ClinVar:

ClinVar aggregate classification (germline): Uncertain significance. Review status: criteria provided, multiple submitters, no conflicts (2 of 4 stars). 2 submissions from 2 submitters: Uncertain significance (2). Last evaluated 2023-11-28.

Conditions:
Cardiovascular phenotype. Identifiers: MedGen CN230736.
Primary dilated cardiomyopathy (DCM). Also called: Dilated Cardiomyopathy. Identifiers: Orphanet 217604, MedGen C0007193, MeSH D002311, MONDO:0005021, HP:0001644. Inheritance: Various modes of inheritance.

Allele frequency attached by ClinVar (database versions not stated): TOPMed below 0.00001; gnomAD 0.00001; gnomAD exomes 0.00002 and 0.00004; ExAC 0.00006.

Submissions (2):

Ambry Genetics
Classification: Uncertain significance for Cardiovascular phenotype. Last evaluated: 2023-11-28. Review status: criteria provided, single submitter. Criteria: Ambry Variant Classification Scheme 2023. Collection method: clinical testing. Allele origin: germline.

Labcorp Genetics (formerly Invitae), Labcorp
Classification: Uncertain significance for Primary dilated cardiomyopathy. Last evaluated: 2021-03-22. Review status: criteria provided, single submitter. Criteria: Invitae Variant Classification Sherloc (09022015). Collection method: clinical testing. Allele origin: germline.
Comment: Algorithms developed to predict the effect of missense changes on protein structure and function are either unavailable or do not agree on the potential impact of this missense change (SIFT: "Deleterious"; PolyPhen-2: "Possibly Damaging"; Align-GVGD: "Class C0"). In summary, the available evidence is currently insufficient to determine the role of this variant in disease. Therefore, it has been classified as a Variant of Uncertain Significance. This variant has not been reported in the literature in individuals with TXNRD2-related conditions. ClinVar contains an entry for this variant (Variation ID: 951182). This variant is present in population databases (rs747350610, ExAC 0.02%). This sequence change replaces valine with methionine at codon 360 of the TXNRD2 protein (p.Val360Met). The valine residue is moderately conserved and there is a small physicochemical difference between valine and methionine.

NM_006440.5(TXNRD2):c.1078G>A (p.Val360Met)

Gene: TXNRD2 (thioredoxin reductase 2; minus strand). Cytogenetic location: 22q11.21.
Variant type: single nucleotide variant.
Coding change: c.1078G>A on transcript NM_006440.5 (MANE Select); coding-DNA position 1078, G replaced by A.
Protein change: p.Val360Met; replaces valine 360 with methionine.
Molecular consequence: missense variant. On other transcripts: non-coding transcript variant (1).
Genome position (GRCh38, 1-based): chr22:19,883,333, C>T on the plus strand (G>A on the coding strand, the complement: TXNRD2 is on the minus strand). VCF-style: chr22-19883333-C-T. GRCh37 (hg19) VCF-style: chr22-19870856-C-T.
Other names: c.1075G>A, p.Val359Met (NM_001352300.2); c.988G>A, p.Val330Met (NM_001352301.2); c.790G>A, p.Val264Met (NM_001352302.2); c.1078G>A (NM_006440.3); short protein forms V359M, V264M, V330M, V360M.
Identifiers: ClinVar variation 951182 (VCV000951182.9), dbSNP rs747350610, ClinGen allele CA10103846.